The following is an entry in ClinVar:

NM_173551.5(ANKS6):c.1782C>T (p.Ala594=)

Gene: ANKS6 (ankyrin repeat and sterile alpha motif domain containing 6; minus strand). Cytogenetic location: 9q22.33.
Variant type: single nucleotide variant.
Coding change: c.1782C>T on transcript NM_173551.5 (MANE Select); coding-DNA position 1782, C replaced by T.
Protein change: p.Ala594=; no amino-acid change (alanine 594 retained).
Molecular consequence: synonymous variant.
Genome position (GRCh38, 1-based): chr9:98,773,916, G>A on the plus strand (C>T on the coding strand, the complement: ANKS6 is on the minus strand). VCF-style: chr9-98773916-G-A. GRCh37 (hg19) VCF-style: chr9-101536198-G-A.
Identifiers: ClinVar variation 474444 (VCV000474444.17), dbSNP rs78732864, ClinGen allele CA5153367.

ClinVar aggregate classification (germline): Benign/Likely benign. Review status: criteria provided, multiple submitters, no conflicts (2 of 4 stars). 6 submissions from 6 submitters: Benign (1); Likely benign (5). Last evaluated 2026-07-01.

Conditions:
Nephronophthisis 16 (NPHP16). Identifiers: Orphanet 655, MedGen C3809320, MONDO:0014158, OMIM 615382.

Allele frequency attached by ClinVar (database versions not stated): gnomAD 0.00077; gnomAD exomes 0.00093; ExAC 0.00101; TOPMed 0.00102; 1000 Genomes Project 0.00220; 1000 Genomes Project 30x 0.00234.
gnomAD v4.1: 391 of 1,591,202 alleles (0.025%); highest among the groups gnomAD compares: East Asian, 0.78%; 4 homozygotes.

Submissions (6):

CeGaT Center for Human Genetics Tuebingen
Classification: Likely benign. Last evaluated: 2026-07-01. Review status: criteria provided, single submitter. Criteria: CeGaT Center For Human Genetics Tuebingen Variant Classification Criteria Version 2. Collection method: clinical testing. Allele origin: germline. Affected: yes. Observed: 1 variant allele.
Comment: ANKS6: BP4, BP7

Labcorp Genetics (formerly Invitae), Labcorp
Classification: Benign for Nephronophthisis 16. Last evaluated: 2026-01-02. Review status: criteria provided, single submitter. Criteria: Invitae Variant Classification Sherloc (09022015). Collection method: clinical testing. Allele origin: germline.

Blueprint Genetics
Classification: Likely benign. Last evaluated: 2024-10-08. Review status: criteria provided, single submitter. Criteria: ACMG Guidelines, 2015. Collection method: clinical testing. Allele origin: germline.

Fulgent Genetics
Classification: Likely benign for Nephronophthisis 16. Last evaluated: 2021-08-24. Review status: criteria provided, single submitter. Criteria: ACMG Guidelines, 2015. Collection method: clinical testing. Allele origin: unknown.

GeneDx
Classification: Likely benign. Last evaluated: 2020-06-01. Review status: criteria provided, single submitter. Criteria: GeneDx Variant Classification Process June 2021. Collection method: clinical testing. Allele origin: germline. Affected: yes.

Breakthrough Genomics
Classification: Likely benign. Review status: criteria provided, single submitter. Criteria: ACMG Guidelines, 2015. Collection method: not provided. Allele origin: germline. Inheritance: Autosomal recessive inheritance. Affected: yes.